The following is an entry in ClinVar:

ClinVar aggregate classification (germline): Pathogenic (1 of 4 stars; one submission).

Conditions:
Bailey-Bloch congenital myopathy (CMYO13). Also called: Native American myopathy; STAC3 disorder; Congenital myopathy 13. Identifiers: Orphanet 168572, MedGen C1850625, MONDO:0009722, OMIM 255995.

Submission:

Labcorp Genetics (formerly Invitae), Labcorp
Classification: Pathogenic for Bailey-Bloch congenital myopathy. Last evaluated: 2024-08-12. Review status: criteria provided, single submitter. Criteria: Invitae Variant Classification Sherloc (09022015). Collection method: clinical testing. Allele origin: germline.
Comment: This sequence change creates a premature translational stop signal (p.Ala232Leufs*82) in the STAC3 gene. It is expected to result in an absent or disrupted protein product. Loss-of-function variants in STAC3 are known to be pathogenic (PMID: 28411587, 28777491). This variant is present in population databases (rs774555559, gnomAD 0.004%). This variant has not been reported in the literature in individuals affected with STAC3-related conditions. ClinVar contains an entry for this variant (Variation ID: 1073206). For these reasons, this variant has been classified as Pathogenic.

Literature cited by the submitters: PubMed 28411587; PubMed 28777491.

NM_145064.3(STAC3):c.694del (p.Ala232fs)

Gene: STAC3 (SH3 and cysteine rich domain 3; minus strand). Cytogenetic location: 12q13.3.
Variant type: Deletion.
Coding change: c.694del on transcript NM_145064.3 (MANE Select); coding-DNA position 694, one base deleted (G; older notation c.694delG).
Protein change: p.Ala232fs; shifts the reading frame from alanine 232.
Molecular consequence: frameshift variant. On other transcripts: non-coding transcript variant (1).
Genome position (GRCh38, 1-based): chr12:57,244,942, C deleted on the plus strand (G on the coding strand, the reverse complement: STAC3 is on the minus strand); the first of 2 consecutive C bases (chr12:57,244,942-57,244,943); deleting either gives the same sequence. VCF-style (leftmost placement, unchanged base first): chr12-57244941-GC-G. GRCh37 (hg19) VCF-style: chr12-57638724-GC-G.
Other names: c.577del, p.Ala193fs (NM_001286256.2); c.136del, p.Ala46fs (NM_001286257.2); short protein forms A193fs, A232fs, A46fs.
Identifiers: ClinVar variation 1073206 (VCV001073206.7), dbSNP rs774555559, ClinGen allele CA6647035.